The following is an entry in ClinVar:

NM_001165963.4(SCN1A):c.5396C>A (p.Pro1799His)

Genes: SCN1A (sodium voltage-gated channel alpha subunit 1; minus strand), LOC102724058 (uncharacterized LOC102724058; plus strand). Cytogenetic location: 2q24.3.
Variant type: single nucleotide variant.
Coding change: c.5396C>A on transcript NM_001165963.4 (MANE Select); coding-DNA position 5396, C replaced by A.
Protein change: p.Pro1799His; replaces proline 1799 with histidine.
Molecular consequence: missense variant. On other transcripts: non-coding transcript variant (1).
Genome position (GRCh38, 1-based): chr2:165,991,879, G>T on the plus strand (C>A on the coding strand, the complement: SCN1A is on the minus strand). VCF-style: chr2-165991879-G-T. GRCh37 (hg19) VCF-style: chr2-166848389-G-T.
Other names: c.5312C>A, p.Pro1771His (NM_001165964.3, NM_001353957.2, NM_001353958.2); c.5396C>A, p.Pro1799His (NM_001202435.3, NM_001353948.2); c.5363C>A, p.Pro1788His (NM_001353949.2, NM_001353950.2, NM_001353951.2 and 2 more transcripts); c.5360C>A, p.Pro1787His (NM_001353954.2, NM_001353955.2); c.5309C>A, p.Pro1770His (NM_001353960.2); c.2954C>A, p.Pro985His (NM_001353961.2); short protein forms P1787H, P1799H, P985H, P1770H, P1771H, P1788H.
Identifiers: ClinVar variation 1034883 (VCV001034883.9), dbSNP rs1689226274, ClinGen allele CA349067802.

ClinVar aggregate classification (germline): Uncertain significance (1 of 4 stars; one submission).

Conditions:
Early-infantile DEE. Also called: Ohtahara syndrome; Early infantile epileptic encephalopathy; Early infantile epileptic encephalopathy with suppression bursts. Identifiers: Orphanet 1934, MedGen C0393706, MONDO:0800491.

Submission:

Labcorp Genetics (formerly Invitae), Labcorp
Classification: Uncertain significance for Early-infantile DEE. Last evaluated: 2020-05-03. Review status: criteria provided, single submitter. Criteria: Invitae Variant Classification Sherloc (09022015). Collection method: clinical testing. Allele origin: germline.
Comment: This variant has not been reported in the literature in individuals with SCN1A-related conditions. Algorithms developed to predict the effect of missense changes on protein structure and function (SIFT, PolyPhen-2, Align-GVGD) all suggest that this variant is likely to be disruptive, but these predictions have not been confirmed by published functional studies and their clinical significance is uncertain. In summary, the available evidence is currently insufficient to determine the role of this variant in disease. Therefore, it has been classified as a Variant of Uncertain Significance. This variant is not present in population databases (ExAC no frequency). This sequence change replaces proline with histidine at codon 1799 of the SCN1A protein (p.Pro1799His). The proline residue is highly conserved and there is a moderate physicochemical difference between proline and histidine.